The following is an entry in ClinVar:

ClinVar aggregate classification (germline): Uncertain significance (0 of 4 stars; one submission).

Conditions:
Chilton-Okur-Chung neurodevelopmental syndrome (CHOCNS). Identifiers: MedGen C5677022, MONDO:0859239, OMIM 619841.

Submission:

Hong-Tao Li Lab, Institute of Brain Science and Brain-inspired Research, Shandong First Medical University & Shandong Academy of Medical Sciences China
Classification: Uncertain significance for Chilton-Okur-Chung neurodevelopmental syndrome. Review status: no assertion criteria provided. Collection method: research. Allele origin: germline. Inheritance: Autosomal dominant inheritance. Affected: yes. Observed: 1 variant allele, 1 heterozygote.
Comment: Observed in affected individuals from a Pakistani neurodevelopmental-disorder research cohort of 263 individuals. Classification assigned using the ACMG/AMP framework.

NM_006035.4(CDC42BPB):c.1335G>T (p.Arg445Ser)

Gene: CDC42BPB (CDC42 binding protein kinase beta; minus strand). Cytogenetic location: 14q32.32.
Variant type: single nucleotide variant.
Coding change: c.1335G>T on transcript NM_006035.4 (MANE Select); coding-DNA position 1335, G replaced by T.
Protein change: p.Arg445Ser; replaces arginine 445 with serine.
Molecular consequence: missense variant.
Genome position (GRCh38, 1-based): chr14:102,975,935, C>A on the plus strand (G>T on the coding strand, the complement: CDC42BPB is on the minus strand). VCF-style: chr14-102975935-C-A. GRCh37 (hg19) VCF-style: chr14-103442272-C-A.
Other names: c.1335G>T, p.Arg445Ser (NM_001411054.1); short protein forms R445S.
Identifiers: ClinVar variation 4884835 (VCV004884835.1).
Genomic context (GRCh38, chr14:102,975,935, plus strand): 5'-GCCCTCACCTTGCAGCTTCCTGCTCAGCTCCAGCTTCTCCTGTTCCAGCCTCCGAATCCT[C>A]CTCTCGTAAGCTTCCATCTGCAGGCTGTGCTCCAGGTCCCGCTGCACATCCTCATCTTTG-3'
Protein context (NP_006026.3, residues 435-455): EHSLQMEAYE[Arg445Ser]RIRRLEQEKL